The following is an entry in ClinVar:

NM_007325.5(GRIA3):c.880G>T (p.Glu294Ter)

Gene: GRIA3 (glutamate ionotropic receptor AMPA type subunit 3; plus strand). Cytogenetic location: Xq25.
Variant type: single nucleotide variant.
Coding change: c.880G>T on transcript NM_007325.5 (MANE Select); coding-DNA position 880, G replaced by T.
Protein change: p.Glu294Ter; replaces glutamic acid 294 with a stop codon.
Molecular consequence: nonsense.
Genome position (GRCh38, 1-based): chrX:123,395,097, G>T. VCF-style: chrX-123395097-G-T. GRCh37 (hg19) VCF-style: chrX-122528948-G-T.
Other names: c.880G>T, p.Glu294Ter (NM_000828.5); short protein forms E294*.
Identifiers: ClinVar variation 3066119 (VCV003066119.1), dbSNP rs2521145782, ClinGen allele CA414257588.

ClinVar aggregate classification (germline): Uncertain significance (1 of 4 stars; one submission).

Conditions:
Syndromic X-linked intellectual disability 94 (MRXSW). Also called: MENTAL RETARDATION, X-LINKED, SYNDROMIC 29; X-linked intellectual disability due to GRIA3 anomalies. Identifiers: Orphanet 364028, MedGen C2678051, MONDO:0010402, OMIM 300699.

Submission:

MVZ Medizinische Genetik Mainz
Classification: Uncertain significance for Syndromic X-linked intellectual disability 94. Last evaluated: 2022-11-11. Review status: criteria provided, single submitter. Criteria: UK Practice Guidelines For Variant Classification V4 01 2020. Collection method: clinical testing. Allele origin: germline. Inheritance: X-linked dominant inheritance. Affected: yes. Observed: 1 variant allele.
Comment: ACMG Criteria: PM2_SUP, PP3